The following is an entry in ClinVar:

NM_005228.5(EGFR):c.3079C>T (p.Pro1027Ser)

Gene: EGFR (epidermal growth factor receptor; plus strand). Cytogenetic location: 7p11.2.
Variant type: single nucleotide variant.
Coding change: c.3079C>T on transcript NM_005228.5 (MANE Select); coding-DNA position 3079, C replaced by T.
Protein change: p.Pro1027Ser; replaces proline 1027 with serine.
Molecular consequence: missense variant.
Genome position (GRCh38, 1-based): chr7:55,201,320, C>T. VCF-style: chr7-55201320-C-T. GRCh37 (hg19) VCF-style: chr7-55269013-C-T.
Other names: c.2944C>T, p.Pro982Ser (NM_001346897.2, NM_001346899.2); c.3079C>T, p.Pro1027Ser (NM_001346898.2); c.2920C>T, p.Pro974Ser (NM_001346900.2); c.2278C>T, p.Pro760Ser (NM_001346941.2); short protein forms P1027S, P760S, P974S, P982S.
Identifiers: ClinVar variation 3622048 (VCV003622048.2).

ClinVar aggregate classification (germline): Uncertain significance (1 of 4 stars; one submission).

Conditions:
EGFR-related lung cancer (EGFR). Identifiers: MedGen CN130014.

Submission:

Labcorp Genetics (formerly Invitae), Labcorp
Classification: Uncertain significance for EGFR-related lung cancer. Last evaluated: 2024-09-04. Review status: criteria provided, single submitter. Criteria: Invitae Variant Classification Sherloc (09022015). Collection method: clinical testing. Allele origin: germline.
Comment: This sequence change replaces proline, which is neutral and non-polar, with serine, which is neutral and polar, at codon 1027 of the EGFR protein (p.Pro1027Ser). This variant is not present in population databases (gnomAD no frequency). This variant has not been reported in the literature in individuals affected with EGFR-related conditions. Invitae Evidence Modeling of protein sequence and biophysical properties (such as structural, functional, and spatial information, amino acid conservation, physicochemical variation, residue mobility, and thermodynamic stability) indicates that this missense variant is not expected to disrupt EGFR protein function with a negative predictive value of 80%. In summary, the available evidence is currently insufficient to determine the role of this variant in disease. Therefore, it has been classified as a Variant of Uncertain Significance.